The following is an entry in ClinVar:

ClinVar aggregate classification (germline): Uncertain significance (1 of 4 stars; one submission).

gnomAD v4.1: 3 of 1,613,670 alleles (0.00019%); highest among the groups gnomAD compares: South Asian, 0.0022%; no homozygotes.

Submission:

Labcorp Genetics (formerly Invitae), Labcorp
Classification: Uncertain significance. Last evaluated: 2025-06-18. Review status: criteria provided, single submitter. Criteria: Invitae Variant Classification Sherloc (09022015). Collection method: clinical testing. Allele origin: germline.
Comment: This sequence change falls in intron 15 of the CDH2 gene. It does not directly change the encoded amino acid sequence of the CDH2 protein. It affects a nucleotide within the consensus splice site. This variant is not present in population databases (gnomAD no frequency). This variant has not been reported in the literature in individuals affected with CDH2-related conditions. Variants that disrupt the consensus splice site are a relatively common cause of aberrant splicing (PMID: 17576681, 9536098). Algorithms developed to predict the effect of sequence changes on RNA splicing suggest that this variant is not likely to affect RNA splicing. In summary, the available evidence is currently insufficient to determine the role of this variant in disease. Therefore, it has been classified as a Variant of Uncertain Significance.

Literature cited by the submitters: PubMed 17576681; PubMed 9536098.

NM_001792.5(CDH2):c.2514+4C>T

Genes: CDH2 (cadherin 2; minus strand), CDH2-AS1 (CDH2 antisense RNA 1; plus strand). Cytogenetic location: 18q12.1.
Variant type: single nucleotide variant.
Coding change: c.2514+4C>T on transcript NM_001792.5 (MANE Select); 4 bases into the intron after coding-DNA position 2514, C replaced by T.
Molecular consequence: intron variant.
Genome position (GRCh38, 1-based): chr18:27,963,353, G>A on the plus strand (C>T on the coding strand, the complement: CDH2 is on the minus strand). VCF-style: chr18-27963353-G-A. GRCh37 (hg19) VCF-style: chr18-25543317-G-A.
Other names: c.2421+4C>T (NM_001308176.2).
Identifiers: ClinVar variation 4766019 (VCV004766019.1).